The following is an entry in ClinVar:

NM_019070.5(DDX49):c.1260G>C (p.Gly420=)

Gene: DDX49 (DEAD-box helicase 49; plus strand). Cytogenetic location: 19p13.11.
Variant type: single nucleotide variant.
Coding change: c.1260G>C on transcript NM_019070.5 (MANE Select); coding-DNA position 1260, G replaced by C.
Protein change: p.Gly420=; no amino-acid change (glycine 420 retained).
Molecular consequence: synonymous variant. On other transcripts: non-coding transcript variant (1).
Genome position (GRCh38, 1-based): chr19:18,928,033, G>C. VCF-style: chr19-18928033-G-C. GRCh37 (hg19) VCF-style: chr19-19038842-G-C.
Identifiers: ClinVar variation 2649603 (VCV002649603.24), dbSNP rs45538835, ClinGen allele CA9319341.

ClinVar aggregate classification (germline): Likely benign (1 of 4 stars; one submission).

Allele frequency attached by ClinVar (database versions not stated): 1000 Genomes Project 0.00359; 1000 Genomes Project 30x 0.00359; TOPMed 0.00558; ESP Exome Variant Server 0.00607; gnomAD 0.00663; ExAC 0.00676.
gnomAD v4.1: 11,743 of 1,613,824 alleles (0.73%); highest among the groups gnomAD compares: Middle Eastern, 1.5%; 71 homozygotes.

Submission:

CeGaT Center for Human Genetics Tuebingen
Classification: Likely benign. Last evaluated: 2022-07-01. Review status: criteria provided, single submitter. Criteria: CeGaT Center For Human Genetics Tuebingen Variant Classification Criteria Version 2. Collection method: clinical testing. Allele origin: germline. Affected: yes. Observed: 1 variant allele.
Comment: DDX49: BP4, BP7